The following is an entry in ClinVar:

NM_001036.6(RYR3):c.5863A>C (p.Thr1955Pro)

Gene: RYR3 (ryanodine receptor 3; plus strand). Cytogenetic location: 15q14.
Variant type: single nucleotide variant.
Coding change: c.5863A>C on transcript NM_001036.6 (MANE Select); coding-DNA position 5863, A replaced by C.
Protein change: p.Thr1955Pro; replaces threonine 1955 with proline.
Molecular consequence: missense variant.
Genome position (GRCh38, 1-based): chr15:33,696,220, A>C. VCF-style: chr15-33696220-A-C. GRCh37 (hg19) VCF-style: chr15-33988421-A-C.
Other names: c.5863A>C, p.Thr1955Pro (NM_001243996.4); short protein forms T1955P.
Identifiers: ClinVar variation 5020932 (VCV005020932.1).

ClinVar aggregate classification (germline): Uncertain significance (1 of 4 stars; one submission).

Submission:

Dasa
Classification: Uncertain significance. Last evaluated: 2025-06-24. Review status: criteria provided, single submitter. Criteria: DASA Assertion Criteria. Collection method: clinical testing. Allele origin: germline.
Comment: NM_001036.6(RYR3):c.5863A>C (p.Thr1955Pro) is a missense variant that results in the substitution of threonine with proline. This variant is absent from population databases. The currently available literature and clinical evidence are not sufficient to establish a definitive association between this variant and the reported condition. Therefore, this variant is classified as a variant of uncertain significance.